The following is an entry in ClinVar:

ClinVar aggregate classification (germline): Uncertain significance (1 of 4 stars; one submission).

Conditions:
Gamma-aminobutyric acid transaminase deficiency (GABATD). Also called: GABA aminotransaminase deficiency; GABA transaminase deficiency; Gamma aminobutyrate transaminase deficiency; 4 alpha aminobutyrate transaminase deficiency. Identifiers: Orphanet 2066, MedGen C0342708, MONDO:0013166, OMIM 613163.

Allele frequency attached by ClinVar (database versions not stated): gnomAD exomes below 0.00001; gnomAD 0.00001; TOPMed 0.00001.
gnomAD v4.1: 9 of 1,613,856 alleles (0.00056%); highest among the groups gnomAD compares: South Asian, 0.0011%; no homozygotes.

Submission:

Labcorp Genetics (formerly Invitae), Labcorp
Classification: Uncertain significance for Gamma-aminobutyric acid transaminase deficiency. Last evaluated: 2024-01-22. Review status: criteria provided, single submitter. Criteria: Invitae Variant Classification Sherloc (09022015). Collection method: clinical testing. Allele origin: germline.
Comment: This sequence change replaces methionine, which is neutral and non-polar, with threonine, which is neutral and polar, at codon 222 of the ABAT protein (p.Met222Thr). This variant is present in population databases (no rsID available, gnomAD 0.002%). This variant has not been reported in the literature in individuals affected with ABAT-related conditions. ClinVar contains an entry for this variant (Variation ID: 2077635). An algorithm developed to predict the effect of missense changes on protein structure and function (PolyPhen-2) suggests that this variant¬†is likely to be tolerated. In summary, the available evidence is currently insufficient to determine the role of this variant in disease. Therefore, it has been classified as a Variant of Uncertain Significance.

NM_020686.6(ABAT):c.665T>C (p.Met222Thr)

Gene: ABAT (4-aminobutyrate aminotransferase; plus strand). Cytogenetic location: 16p13.2.
Variant type: single nucleotide variant.
Coding change: c.665T>C on transcript NM_020686.6 (MANE Select); coding-DNA position 665, T replaced by C.
Protein change: p.Met222Thr; replaces methionine 222 with threonine.
Molecular consequence: missense variant.
Genome position (GRCh38, 1-based): chr16:8,768,254, T>C. VCF-style: chr16-8768254-T-C. GRCh37 (hg19) VCF-style: chr16-8862111-T-C.
Other names: c.665T>C, p.Met222Thr (NM_000663.5, NM_001127448.2, NM_001386600.1 and 7 more transcripts); c.602T>C, p.Met201Thr (NM_001386606.1, NM_001386607.1); c.572T>C, p.Met191Thr (NM_001386608.1); c.530T>C, p.Met177Thr (NM_001386610.1, NM_001386611.1); c.467T>C, p.Met156Thr (NM_001386612.1, NM_001386613.1); c.419T>C, p.Met140Thr (NM_001386614.1); c.761T>C, p.Met254Thr (NM_001386615.1); short protein forms M156T, M177T, M222T, M201T, M254T, M140T, M191T.
Identifiers: ClinVar variation 2077635 (VCV002077635.3), dbSNP rs1473033047, ClinGen allele CA394688838.